The following is an entry in ClinVar:

NC_000002.11:g.(?_61108708)_(61158748_?)dup

Gene: REL (REL proto-oncogene, NF-kB subunit; plus strand). Cytogenetic location: 2p16.1.
Variant type: Duplication.
Identifiers: ClinVar variation 4853020 (VCV004853020.1).

ClinVar aggregate classification (germline): Uncertain significance (1 of 4 stars; one submission).

Submission:

Women's Health and Genetics/Laboratory Corporation of America, LabCorp
Classification: Uncertain significance. Last evaluated: 2026-05-18. Review status: criteria provided, single submitter. Criteria: LabCorp Variant Classification Summary - May 2015. Collection method: clinical testing. Allele origin: germline.
Comment: Variant summary: The variant involves the duplication of exons 1-11 in the REL gene. A presumed nomenclature of c.(?_-268)_(*9078_?)dup has been designated for the purposes of this classification. This duplication includes the entire coding sequence of the gene. As exact breakpoints are unknown, it may extend beyond the annotated region of the gene, to include other flanking genes. The variant was absent in 21688 control chromosomes. The available data on variant occurrences in the general population are insufficient to allow any conclusion about variant significance. To our knowledge, no occurrence of c.(?_-268)_(*9078_?)dup in individuals affected with REL-related conditions and no experimental evidence demonstrating its impact on protein function have been reported. ClinVar contains an entry for a copy number gain including the entire REL gene (Variation ID: 2424572). Based on the evidence outlined above, the variant was classified as uncertain significance.